The following is an entry in ClinVar:

NM_000503.6(EYA1):c.1090del (p.Glu364fs)

Gene: EYA1 (EYA transcriptional coactivator and phosphatase 1; minus strand). Cytogenetic location: 8q13.3.
Variant type: Deletion.
Coding change: c.1090del on transcript NM_000503.6 (MANE Select); coding-DNA position 1090, one base deleted (G; older notation c.1090delG).
Protein change: p.Glu364fs; shifts the reading frame from glutamic acid 364.
Molecular consequence: frameshift variant. On other transcripts: intron variant (2).
Genome position (GRCh38, 1-based): chr8:71,244,653, C deleted on the plus strand (G on the coding strand, the reverse complement: EYA1 is on the minus strand). VCF-style (leftmost placement, unchanged base first): chr8-71244652-TC-T. GRCh37 (hg19) VCF-style: chr8-72156887-TC-T.
Other names: c.1072del, p.Glu358fs (NM_001288574.2); c.724del, p.Glu242fs (NM_001288575.2); c.1177del, p.Glu393fs (NM_001370333.1); c.1090del, p.Glu364fs (NM_001370334.1, NM_001370335.1, NM_172058.4); c.991del, p.Glu331fs (NM_001411797.1, NM_172060.4); c.1119+25087del (NM_001370336.1); c.1122+25087del (NM_172059.5); short protein forms E242fs, E331fs, E358fs, E364fs, E393fs.
Identifiers: ClinVar variation 4857477 (VCV004857477.1).
Genomic context (GRCh38, chr8:71,244,652, plus strand): 5'-TTAGAACTTACTTCTAAGTCATTAAAAAATAAATGTGTGTCTGCCAAGTTGAAAATCATT[TC>T]TTCCATTCGCAGTCCAAGGGAAACTGAAGTGGGTGGATCCTAAAATAAGAATATGACAGG-3'

ClinVar aggregate classification (germline): Pathogenic (1 of 4 stars; one submission).

Conditions:
Monogenic hearing loss.

Submission:

Genetics Laboratory, Great Ormond Street Hospital NHS Foundation Trust, North Thames Genomic Laboratory Hub
Classification: Pathogenic for Monogenic hearing loss. Last evaluated: 2026-05-07. Review status: criteria provided, single submitter. Criteria: ACGS Best Practice Guidelines for Variant Classification in Rare Disease 2024 v1.2. Collection method: clinical testing. Allele origin: germline. Affected: yes.
Comment: PM2_moderate, PVS1_very-strong